The following is an entry in ClinVar:

ClinVar aggregate classification (germline): Uncertain significance. Review status: criteria provided, multiple submitters, no conflicts (2 of 4 stars). 4 submissions from 4 submitters: Uncertain significance (4). Last evaluated 2026-06-22.

Conditions:
MKS1-related disorder. Also called: MKS1-related disorders; MKS1-related condition. Identifiers: MedGen CN239382.
Joubert syndrome 28 (JBTS28). Identifiers: MedGen C4310705, MONDO:0014928, OMIM 617121.
Meckel syndrome, type 1 (MKS1). Also called: MECKEL-GRUBER SYNDROME, TYPE 1. Identifiers: Orphanet 564, MedGen C3714506, MONDO:0009571, OMIM 249000.
Bardet-Biedl syndrome 13 (BBS13). Identifiers: Orphanet 110, MedGen C2673873, MONDO:0014441, OMIM 615990.
Meckel-Gruber syndrome. Also called: Dysencephalia splachnocystica; DYSENCEPHALIA SPLANCHNOCYSTICA; GRUBER SYNDROME. Identifiers: Orphanet 564, MedGen C0265215, MONDO:0018921.
Joubert syndrome. Also called: JOUBERT-BOLTSHAUSER SYNDROME; Familial aplasia of the vermis. Identifiers: Orphanet 475, MedGen C5979921, MONDO:0018772.
Inborn genetic diseases. Identifiers: MedGen C0950123, MeSH D030342.

Allele frequency attached by ClinVar (database versions not stated): 1000 Genomes Project 30x 0.00016.

Submissions (4):

PreventionGenetics, part of Exact Sciences
Classification: Uncertain significance for MKS1-related condition. Last evaluated: 2026-06-22. Review status: criteria provided, single submitter. Criteria: ACMG Guidelines, 2015. Collection method: clinical testing. Allele origin: germline.
Comment: The MKS1 c.1288C>T variant is predicted to result in premature protein termination (p.Arg430*). To our knowledge, this variant has not been reported in the literature. Of note, on the most commonly reported transcript this variant can be annotated as c.1505C>T (p.Ser502Leu) (NM_017777). This variant is reported in 0.013% of alleles in individuals of African descent in gnomAD. At this time, the clinical significance of this variant is uncertain due to the absence of conclusive functional and genetic evidence.

Ambry Genetics
Classification: Uncertain significance for Inborn genetic diseases. Last evaluated: 2025-10-29. Review status: criteria provided, single submitter. Criteria: Ambry Variant Classification Scheme 2023. Collection method: clinical testing. Allele origin: germline.

Fulgent Genetics
Classification: Uncertain significance for Meckel syndrome, type 1; Bardet-Biedl syndrome 13; Joubert syndrome 28. Last evaluated: 2024-04-28. Review status: criteria provided, single submitter. Criteria: ACMG Guidelines, 2015. Collection method: clinical testing. Allele origin: germline.

Labcorp Genetics (formerly Invitae), Labcorp
Classification: Uncertain significance for Joubert syndrome; Meckel-Gruber syndrome. Last evaluated: 2022-02-08. Review status: criteria provided, single submitter. Criteria: Invitae Variant Classification Sherloc (09022015). Collection method: clinical testing. Allele origin: germline.
Comment: This sequence change replaces serine, which is neutral and polar, with leucine, which is neutral and non-polar, at codon 502 of the MKS1 protein (p.Ser502Leu). This variant is present in population databases (rs758838271, gnomAD 0.01%). This variant has not been reported in the literature in individuals affected with MKS1-related conditions. ClinVar contains an entry for this variant (Variation ID: 1054923). Advanced modeling of protein sequence and biophysical properties (such as structural, functional, and spatial information, amino acid conservation, physicochemical variation, residue mobility, and thermodynamic stability) performed at Invitae indicates that this missense variant is not expected to disrupt MKS1 protein function. In summary, the available evidence is currently insufficient to determine the role of this variant in disease. Therefore, it has been classified as a Variant of Uncertain Significance.

NM_017777.4(MKS1):c.1505C>T (p.Ser502Leu)

Gene: MKS1 (MKS transition zone complex subunit 1; minus strand). Cytogenetic location: 17q22.
Variant type: single nucleotide variant.
Coding change: c.1505C>T on transcript NM_017777.4 (MANE Select); coding-DNA position 1505, C replaced by T.
Protein change: p.Ser502Leu; replaces serine 502 with leucine.
Molecular consequence: missense variant. On other transcripts: synonymous variant (1), nonsense (1).
Genome position (GRCh38, 1-based): chr17:58,206,366, G>A on the plus strand (C>T on the coding strand, the complement: MKS1 is on the minus strand). VCF-style: chr17-58206366-G-A. GRCh37 (hg19) VCF-style: chr17-56283727-G-A.
Other names: c.896C>T, p.Ser299Leu (NM_001321268.2); c.1422C>T, p.Ile474= (NM_001321269.2); c.1288C>T, p.Arg430Ter (NM_001330397.2); c.1505C>T (NM_017777.3); c.1288C>T (NM_001330397.1); short protein forms R430*, S299L, S502L.
Identifiers: ClinVar variation 1054923 (VCV001054923.9), dbSNP rs758838271, ClinGen allele CA8669096.